The following is an entry in ClinVar:

NM_001430.5(EPAS1):c.1811T>C (p.Met604Thr)

Gene: EPAS1 (endothelial PAS domain protein 1; plus strand). Cytogenetic location: 2p21.
Variant type: single nucleotide variant.
Coding change: c.1811T>C on transcript NM_001430.5 (MANE Select); coding-DNA position 1811, T replaced by C.
Protein change: p.Met604Thr; replaces methionine 604 with threonine.
Molecular consequence: missense variant.
Genome position (GRCh38, 1-based): chr2:46,380,483, T>C. VCF-style: chr2-46380483-T-C. GRCh37 (hg19) VCF-style: chr2-46607622-T-C.
Other names: short protein forms M604T.
Identifiers: ClinVar variation 1780602 (VCV001780602.3), dbSNP rs370619221, ClinGen allele CA1645117.

ClinVar aggregate classification (germline): Uncertain significance (1 of 4 stars; one submission).

Conditions:
Inborn genetic diseases. Identifiers: MedGen C0950123, MeSH D030342.

Allele frequency attached by ClinVar (database versions not stated): gnomAD exomes below 0.00001.
gnomAD v4.1: 5 of 1,614,162 alleles (0.00031%); highest among the groups gnomAD compares: Admixed American, 0.0033%; no homozygotes.

Submission:

Ambry Genetics
Classification: Uncertain significance for Inborn genetic diseases. Last evaluated: 2024-05-30. Review status: criteria provided, single submitter. Criteria: Ambry Variant Classification Scheme 2023. Collection method: clinical testing. Allele origin: germline.
Comment: The p.M604T variant (also known as c.1811T>C), located in coding exon 12 of the EPAS1 gene, results from a T to C substitution at nucleotide position 1811. The methionine at codon 604 is replaced by threonine, an amino acid with similar properties. This amino acid position is conserved. In addition, this alteration is predicted to be tolerated by in silico analysis. Since supporting evidence is limited at this time, the clinical significance of this alteration remains unclear.